The following is an entry in ClinVar:

NM_206933.4(USH2A):c.7312G>A (p.Val2438Met)

Gene: USH2A (usherin; minus strand). Cytogenetic location: 1q41.
Variant type: single nucleotide variant.
Coding change: c.7312G>A on transcript NM_206933.4 (MANE Select); coding-DNA position 7312, G replaced by A.
Protein change: p.Val2438Met; replaces valine 2438 with methionine.
Molecular consequence: missense variant.
Genome position (GRCh38, 1-based): chr1:215,900,894, C>T on the plus strand (G>A on the coding strand, the complement: USH2A is on the minus strand). VCF-style: chr1-215900894-C-T. GRCh37 (hg19) VCF-style: chr1-216074236-C-T.
Other names: short protein forms V2438M.
Identifiers: ClinVar variation 839202 (VCV000839202.13), dbSNP rs370988961, ClinGen allele CA1394872.

ClinVar aggregate classification (germline): Uncertain significance. Review status: criteria provided, multiple submitters, no conflicts (2 of 4 stars). 7 submissions from 6 submitters: Uncertain significance (6). 1 of the submissions does not count toward it. Last evaluated 2025-07-01.

Conditions:
Retinitis pigmentosa 39 (RP39). Identifiers: Orphanet 791, MedGen C3151138, MONDO:0013436, OMIM 613809.
Usher syndrome type 2A. Also called: USHER SYNDROME, TYPE IIA; RETINAL DISEASE IN USHER SYNDROME TYPE IIA, MODIFIER OF. Identifiers: Orphanet 231178, Orphanet 886, MedGen C1848634, MONDO:0010169, OMIM 276901.
USH2A-related disorder. Also called: USH2A-related condition; USH2A-related disorders. Identifiers: MedGen CN239332.

Allele frequency attached by ClinVar (database versions not stated): ExAC 0.00008; ESP Exome Variant Server 0.00008; gnomAD exomes 0.00008; gnomAD 0.00013; TOPMed 0.00019.
gnomAD v4.1: 76 of 1,613,326 alleles (0.0047%); highest among the groups gnomAD compares: African/African-American, 0.025%; no homozygotes.

Submissions (7):

PreventionGenetics, part of Exact Sciences
Classification: Uncertain significance for USH2A-related condition. Last evaluated: 2025-07-01. Review status: criteria provided, single submitter. Criteria: ACMG Guidelines, 2015. Collection method: clinical testing. Allele origin: germline.
Comment: The USH2A c.7312G>A variant is predicted to result in the amino acid substitution p.Val2438Met. To our knowledge, this variant has not been reported in the literature. This variant is reported in 0.028% of alleles in individuals of African descent in gnomAD. At this time, the clinical significance of this variant is uncertain due to the absence of conclusive functional and genetic evidence.

GeneDx
Classification: Uncertain significance. Last evaluated: 2025-03-04. Review status: criteria provided, single submitter. Criteria: GeneDx Variant Classification Process June 2021. Collection method: clinical testing. Allele origin: germline. Affected: yes.
Comment: In silico analysis indicates that this missense variant does not alter protein structure/function; Has not been previously published as pathogenic or benign to our knowledge

Labcorp Genetics (formerly Invitae), Labcorp
Classification: Uncertain significance. Last evaluated: 2024-08-30. Review status: criteria provided, single submitter. Criteria: Invitae Variant Classification Sherloc (09022015). Collection method: clinical testing. Allele origin: germline.
Comment: This sequence change replaces valine, which is neutral and non-polar, with methionine, which is neutral and non-polar, at codon 2438 of the USH2A protein (p.Val2438Met). This variant is present in population databases (rs370988961, gnomAD 0.03%). This variant has not been reported in the literature in individuals affected with USH2A-related conditions. ClinVar contains an entry for this variant (Variation ID: 839202). Invitae Evidence Modeling of protein sequence and biophysical properties (such as structural, functional, and spatial information, amino acid conservation, physicochemical variation, residue mobility, and thermodynamic stability) indicates that this missense variant is not expected to disrupt USH2A protein function with a negative predictive value of 95%. In summary, the available evidence is currently insufficient to determine the role of this variant in disease. Therefore, it has been classified as a Variant of Uncertain Significance.

Blueprint Genetics
Classification: Uncertain significance. Last evaluated: 2024-03-08. Review status: criteria provided, single submitter. Criteria: ACMG Guidelines, 2015. Collection method: clinical testing. Allele origin: germline.

Genome-Nilou Lab
Classification: Uncertain significance for Retinitis pigmentosa 39. Last evaluated: 2023-11-04. Review status: criteria provided, single submitter. Criteria: ACMG Guidelines, 2015. Collection method: clinical testing. Allele origin: germline. Affected: no.

Genome-Nilou Lab
Classification: Uncertain significance for Usher syndrome type 2A. Last evaluated: 2023-11-04. Review status: criteria provided, single submitter. Criteria: ACMG Guidelines, 2015. Collection method: clinical testing. Allele origin: germline. Affected: no.

Natera, Inc.
Classification: Uncertain significance for Usher syndrome type 2A. Last evaluated: 2020-02-26. Review status: no assertion criteria provided. Collection method: clinical testing. Allele origin: germline. Not counted in ClinVar's aggregate classification.